The following is an entry in ClinVar:

ClinVar aggregate classification (germline): Likely pathogenic (1 of 4 stars; one submission).

Allele frequency attached by ClinVar (database versions not stated): gnomAD exomes 0.00001; ExAC 0.00002.
gnomAD v4.1: 11 of 1,614,006 alleles (0.00068%); highest among the groups gnomAD compares: Non-Finnish European, 0.00085%; no homozygotes.

Submission:

Labcorp Genetics (formerly Invitae), Labcorp
Classification: Likely pathogenic. Last evaluated: 2022-03-13. Review status: criteria provided, single submitter. Criteria: Invitae Variant Classification Sherloc (09022015). Collection method: clinical testing. Allele origin: germline.
Comment: In summary, the currently available evidence indicates that the variant is pathogenic, but additional data are needed to prove that conclusively. Therefore, this variant has been classified as Likely Pathogenic. Algorithms developed to predict the effect of sequence changes on RNA splicing suggest that this variant may disrupt the consensus splice site. This variant has not been reported in the literature in individuals affected with CLCNKB-related conditions. This variant is present in population databases (rs769053704, gnomAD 0.002%). This sequence change affects a donor splice site in intron 12 of the CLCNKB gene. It is expected to disrupt RNA splicing. Variants that disrupt the donor or acceptor splice site typically lead to a loss of protein function (PMID: 16199547), and loss-of-function variants in CLCNKB are known to be pathogenic (PMID: 24830959, 26920127, 28381550, 29254190).

Literature cited by the submitters: PubMed 16199547; PubMed 24830959; PubMed 26920127; PubMed 28381550; PubMed 29254190.

NM_000085.5(CLCNKB):c.1227+1G>A

Genes: CLCNKB (chloride voltage-gated channel Kb; plus strand), LOC106501713 (CLCNKB recombination region; plus strand). Cytogenetic location: 1p36.13.
Variant type: single nucleotide variant.
Coding change: c.1227+1G>A on transcript NM_000085.5 (MANE Select); the canonical splice donor site of the intron after coding-DNA position 1227, G replaced by A.
Molecular consequence: splice donor variant.
Genome position (GRCh38, 1-based): chr1:16,051,049, G>A. VCF-style: chr1-16051049-G-A. GRCh37 (hg19) VCF-style: chr1-16377544-G-A.
Other names: c.720+1G>A (NM_001165945.2).
Identifiers: ClinVar variation 1976514 (VCV001976514.5), dbSNP rs769053704, ClinGen allele CA623738.